The following is an entry in ClinVar:

NM_024675.4(PALB2):c.2013del (p.Glu672fs)

Gene: PALB2 (partner and localizer of BRCA2; minus strand). Cytogenetic location: 16p12.2.
Variant type: Deletion.
Coding change: c.2013del on transcript NM_024675.4 (MANE Select); coding-DNA position 2013, one base deleted (A; older notation c.2013delA).
Protein change: p.Glu672fs; shifts the reading frame from glutamic acid 672.
Molecular consequence: frameshift variant. On other transcripts: intron variant (1).
Genome position (GRCh38, 1-based): chr16:23,630,141, T deleted on the plus strand (A on the coding strand, the reverse complement: PALB2 is on the minus strand). VCF-style (leftmost placement, unchanged base first): chr16-23630140-CT-C. GRCh37 (hg19) VCF-style: chr16-23641461-CT-C.
Other names: c.1953del, p.Glu652fs (NM_001407296.1); c.2013del, p.Glu672fs (NM_001407297.1, NM_001407298.1, NM_001407299.1 and 3 more transcripts); c.1128del, p.Glu377fs (NM_001407304.1, NM_001407305.1, NM_001407306.1 and 5 more transcripts); c.225del, p.Glu76fs (NM_001407312.1, NM_001407313.1); c.49-866del (NM_001407314.1); short protein forms E377fs, E652fs, E672fs, E76fs.
Identifiers: ClinVar variation 3228001 (VCV003228001.3), dbSNP rs2506426318, ClinGen allele CA2825002422.
Genomic context (GRCh38, chr16:23,630,140, plus strand): 5'-GGCTTTGCGAGTTTGGCCTTTTGGGATGTGATTTTCCTGGTAGAACAATAAGGTCCTCTT[CT>C]AAGTCCTCCATTTCTGTATCCATGCGTTTAGGACTCAGTTCCTCTGGAAAAATACAGCTT-3'

ClinVar aggregate classification (germline): Pathogenic. Review status: criteria provided, multiple submitters, no conflicts (2 of 4 stars). 2 submissions from 2 submitters: Pathogenic (2). Last evaluated 2024-04-24.

Conditions:
Familial cancer of breast. Also called: BREAST CANCER, FAMILIAL; Hereditary breast cancer; hereditary breast carcinoma. Identifiers: Orphanet 227535, MedGen C0346153, MONDO:0016419, OMIM 114480. Disease mechanism: loss of function.
Hereditary cancer-predisposing syndrome. Also called: Neoplastic Syndromes, Hereditary; Tumor predisposition; Hereditary neoplastic syndrome; Hereditary Cancer Syndrome. Identifiers: Orphanet 140162, MedGen C0027672, MeSH D009386, MONDO:0015356.

Submissions (2):

Labcorp Genetics (formerly Invitae), Labcorp
Classification: Pathogenic for Familial cancer of breast. Last evaluated: 2024-04-24. Review status: criteria provided, single submitter. Criteria: Invitae Variant Classification Sherloc (09022015). Collection method: clinical testing. Allele origin: germline.
Comment: This sequence change creates a premature translational stop signal (p.Glu672Lysfs*37) in the PALB2 gene. It is expected to result in an absent or disrupted protein product. Loss-of-function variants in PALB2 are known to be pathogenic (PMID: 17200668, 17200671, 17200672, 24136930, 25099575). This variant is not present in population databases (gnomAD no frequency). This variant has not been reported in the literature in individuals affected with PALB2-related conditions. For these reasons, this variant has been classified as Pathogenic.

Ambry Genetics
Classification: Pathogenic for Hereditary cancer-predisposing syndrome. Last evaluated: 2024-02-21. Review status: criteria provided, single submitter. Criteria: Ambry Variant Classification Scheme 2023. Collection method: clinical testing. Allele origin: germline.
Comment: The c.2013delA pathogenic mutation, located in coding exon 5 of the PALB2 gene, results from a deletion of one nucleotide at nucleotide position 2013, causing a translational frameshift with a predicted alternate stop codon (p.E672Kfs*37). This variant is considered to be rare based on population cohorts in the Genome Aggregation Database (gnomAD). This alteration is expected to result in loss of function by premature protein truncation or nonsense-mediated mRNA decay. As such, this alteration is interpreted as a disease-causing mutation.

Literature cited by the submitters: PubMed 17200668 (cited by Labcorp Genetics (formerly Invitae), Labcorp); PubMed 17200671 (cited by Labcorp Genetics (formerly Invitae), Labcorp); PubMed 17200672 (cited by Labcorp Genetics (formerly Invitae), Labcorp); PubMed 24136930 (cited by Labcorp Genetics (formerly Invitae), Labcorp); PubMed 25099575 (cited by Labcorp Genetics (formerly Invitae), Labcorp).